The following is an entry in ClinVar:

ClinVar aggregate classification (germline): Uncertain significance (1 of 4 stars; one submission).

Conditions:
Nemaline myopathy 2 (NEM2). Also called: Nemaline myopathy 2, autosomal recessive. Identifiers: MedGen C1850569, MONDO:0009725, OMIM 256030.

Submission:

Labcorp Genetics (formerly Invitae), Labcorp
Classification: Uncertain significance for Nemaline myopathy 2. Last evaluated: 2022-05-12. Review status: criteria provided, single submitter. Criteria: Invitae Variant Classification Sherloc (09022015). Collection method: clinical testing. Allele origin: germline.
Comment: This sequence change replaces alanine, which is neutral and non-polar, with glycine, which is neutral and non-polar, at codon 2889 of the NEB protein (p.Ala2889Gly). This variant is not present in population databases (gnomAD no frequency). This variant has not been reported in the literature in individuals affected with NEB-related conditions. Algorithms developed to predict the effect of missense changes on protein structure and function are either unavailable or do not agree on the potential impact of this missense change (SIFT: "Deleterious"; PolyPhen-2: "Not Available"; Align-GVGD: "Class C0"). In summary, the available evidence is currently insufficient to determine the role of this variant in disease. Therefore, it has been classified as a Variant of Uncertain Significance.

NM_001164508.2(NEB):c.8666C>G (p.Ala2889Gly)

Gene: NEB (nebulin; minus strand). Cytogenetic location: 2q23.3.
Variant type: single nucleotide variant.
Coding change: c.8666C>G on transcript NM_001164508.2 (MANE Select); coding-DNA position 8666, C replaced by G.
Protein change: p.Ala2889Gly; replaces alanine 2889 with glycine.
Molecular consequence: missense variant.
Genome position (GRCh38, 1-based): chr2:151,640,374, G>C on the plus strand (C>G on the coding strand, the complement: NEB is on the minus strand). VCF-style: chr2-151640374-G-C. GRCh37 (hg19) VCF-style: chr2-152496888-G-C.
Other names: c.8666C>G, p.Ala2889Gly (NM_001164507.2, NM_001271208.2, NM_004543.5); short protein forms A2889G.
Identifiers: ClinVar variation 1993583 (VCV001993583.1), dbSNP rs2552243854, ClinGen allele CA348809804.